The following is an entry in ClinVar:

ClinVar aggregate classification (germline): Uncertain significance (1 of 4 stars; one submission).

Conditions:
Familial adenomatous polyposis 1 (FAP1). Also called: POLYPOSIS, ADENOMATOUS INTESTINAL; FAMILIAL ADENOMATOUS POLYPOSIS 1, ATTENUATED. Identifiers: MedGen C2713442, MONDO:0021056, OMIM 175100. Disease mechanism: loss of function.

Submission:

Labcorp Genetics (formerly Invitae), Labcorp
Classification: Uncertain significance for Familial adenomatous polyposis 1. Last evaluated: 2023-09-21. Review status: criteria provided, single submitter. Criteria: Invitae Variant Classification Sherloc (09022015). Collection method: clinical testing. Allele origin: germline.
Comment: This variant is not present in population databases (gnomAD no frequency). This variant occurs in a non-coding region of the APC gene. It does not change the encoded amino acid sequence of the APC protein. This variant has not been reported in the literature in individuals affected with APC-related conditions. In summary, the available evidence is currently insufficient to determine the role of this variant in disease. Therefore, it has been classified as a Variant of Uncertain Significance. Experimental studies and prediction algorithms are not available or were not evaluated, and the functional significance of this variant is currently unknown.

NC_000005.10:g.112707471del

Gene: APC (APC regulator of Wnt signaling pathway; plus strand). Cytogenetic location: 5q22.2.
Variant type: Deletion.
Genome position: GRCh38 VCF-style: chr5-112707468-TG-T. GRCh37 (hg19) VCF-style: chr5-112043165-TG-T.
Identifiers: ClinVar variation 2762230 (VCV002762230.3), dbSNP rs2531733811, ClinGen allele CA2697546383.